The following is an entry in ClinVar:

NM_144672.4(OTOA):c.1527_1530dup (p.Gln511fs)

Gene: OTOA (otoancorin). Cytogenetic location: 16p12.2.
Variant type: Duplication.
Coding change: c.1527_1530dup on transcript NM_144672.4 (MANE Select); coding-DNA positions 1527 to 1530, 4 bases duplicated.
Protein change: p.Gln511fs; shifts the reading frame from glutamine 511.
Molecular consequence: frameshift variant.
Genome position: GRCh38 VCF-style: chr16-21716943-G-GAGAT. GRCh37 (hg19) VCF-style: chr16-21728264-G-GAGAT.
Other names: c.1290_1293dup, p.Gln432fs (NM_001161683.2); c.555_558dup, p.Gln187fs (NM_170664.3); short protein forms Q187fs, Q432fs, Q511fs.
Identifiers: ClinVar variation 2764599 (VCV002764599.3), dbSNP rs2507033841, ClinGen allele CA2697555703.
Genomic context (GRCh38, chr16:21,716,943, plus strand): 5'-TTTGTTGCTTCTCGCTTCTGGCAGATGGTCCAAGCGGAAGACACTGCCCCAGGCATCGTG[G>GAGAT]AGATACAAGGGGCTTTCTTTAAGGAAGTGTCTCTCTTTGATTTAAGGAGGCAACCTGGAT-3'

ClinVar aggregate classification (germline): Pathogenic (1 of 4 stars; one submission).

Submission:

Labcorp Genetics (formerly Invitae), Labcorp
Classification: Pathogenic. Last evaluated: 2023-09-30. Review status: criteria provided, single submitter. Criteria: Invitae Variant Classification Sherloc (09022015). Collection method: clinical testing. Allele origin: germline.
Comment: For these reasons, this variant has been classified as Pathogenic. This variant has not been reported in the literature in individuals affected with OTOA-related conditions. This variant is not present in population databases (gnomAD no frequency). This sequence change creates a premature translational stop signal (p.Gln511Aspfs*7) in the OTOA gene. It is expected to result in an absent or disrupted protein product. Loss-of-function variants in OTOA are known to be pathogenic (PMID: 11972037).

Literature cited by the submitters: PubMed 11972037.